The following is an entry in ClinVar:

ClinVar aggregate classification (germline): Likely pathogenic (1 of 4 stars; one submission).

Conditions:
Retinitis pigmentosa 55 (RP55). Identifiers: Orphanet 791, MedGen C3150808, MONDO:0013312, OMIM 613575.
Bardet-Biedl syndrome 3 (BBS3). Identifiers: Orphanet 110, MedGen C1859564, MONDO:0010832, OMIM 600151.

Submission:

Labcorp Genetics (formerly Invitae), Labcorp
Classification: Likely pathogenic for Retinitis pigmentosa 55; Bardet-Biedl syndrome 3. Last evaluated: 2023-12-30. Review status: criteria provided, single submitter. Criteria: Invitae Variant Classification Sherloc (09022015). Collection method: clinical testing. Allele origin: unknown.
Comment: This variant results in a copy number gain of the genomic region encompassing exon(s) 4 of the ARL6 gene. While the exact position of this variant cannot be determined from the data, sub-genic copy number gains are generally in tandem (PMID: 25640679). This variant is predicted to be out-of-frame, and may result in an absent or disrupted protein product. Loss-of-function variants in ARL6 are known to be pathogenic (PMID: 15258860, 19858128, 20142850, 22334370, 27486776, 31736247). This variant has not been reported in the literature in individuals affected with ARL6-related conditions. In summary, the currently available evidence indicates that the variant is pathogenic, but additional data are needed to prove that conclusively. Therefore, this variant has been classified as Likely Pathogenic.

Literature cited by the submitters: PubMed 25640679; PubMed 15258860; PubMed 19858128; PubMed 20142850; PubMed 22334370; PubMed 27486776; PubMed 31736247.

NC_000003.11:g.(?_97498983)_(97499084_?)dup

Gene: ARL6 (ARF like GTPase 6; plus strand). Cytogenetic location: 3q11.2.
Variant type: Duplication.
Identifiers: ClinVar variation 3246909 (VCV003246909.1).